The following is an entry in ClinVar:

NM_001370100.5(ZMYND11):c.1198C>T (p.Arg400Cys)

Gene: ZMYND11 (zinc finger MYND-type containing 11; plus strand). Cytogenetic location: 10p15.3.
Variant type: single nucleotide variant.
Coding change: c.1198C>T on transcript NM_001370100.5 (MANE Select); coding-DNA position 1198, C replaced by T.
Protein change: p.Arg400Cys; replaces arginine 400 with cysteine.
Molecular consequence: missense variant. On other transcripts: non-coding transcript variant (1), intron variant (2).
Genome position (GRCh38, 1-based): chr10:247,437, C>T. VCF-style: chr10-247437-C-T. GRCh37 (hg19) VCF-style: chr10-293377-C-T.
Other names: c.1036C>T, p.Arg346Cys (NM_001370107.2, NM_001370108.2, NM_001370109.2 and 6 more transcripts); c.943C>T, p.Arg315Cys (NM_001370110.2, NM_001202465.3); c.1033C>T, p.Arg345Cys (NM_001370111.2, NM_001202466.3); c.1147C>T, p.Arg383Cys (NM_001370112.2, NM_001330057.3); c.1105C>T, p.Arg369Cys (NM_001370113.2, NM_001370114.2); c.1195C>T, p.Arg399Cys (NM_001370115.2, NM_212479.4); c.1132C>T, p.Arg378Cys (NM_001370116.2); c.1198C>T, p.Arg400Cys (NM_001202468.1, NM_001370097.3, NM_001370098.2 and 4 more transcripts); and 8 more; short protein forms R243C, R281C, R298C, R306C, R315C, R324C, R345C, R346C.
Identifiers: ClinVar variation 3391670 (VCV003391670.3).

ClinVar aggregate classification (germline): Uncertain significance. Review status: criteria provided, multiple submitters, no conflicts (2 of 4 stars). 2 submissions from 2 submitters: Uncertain significance (2). Last evaluated 2025-08-11.

Conditions:
Intellectual developmental disorder, autosomal dominant 30, with speech delay and behavioral abnormalities. Also called: Intellectual disability, autosomal dominant 30. Identifiers: Orphanet 436151, MedGen C4015167, MONDO:0014486, OMIM 616083.

Submissions (2):

Dasa
Classification: Uncertain significance for Intellectual developmental disorder, autosomal dominant 30, with speech delay and behavioral abnormalities. Last evaluated: 2025-08-11. Review status: criteria provided, single submitter. Criteria: DASA Assertion Criteria. Collection method: clinical testing. Allele origin: germline.
Comment: NM_001370100.5(ZMYND11):c.1198C>T (p.Arg400Cys) is a missense variant that results in the substitution of arginine with cysteine. This variant is absent from population databases. The currently available literature and clinical evidence are not sufficient to establish a definitive association between this variant and the reported condition. Therefore, this variant is classified as a variant of uncertain significance.

GeneDx
Classification: Uncertain significance. Last evaluated: 2024-06-19. Review status: criteria provided, single submitter. Criteria: GeneDx Variant Classification Process June 2021. Collection method: clinical testing. Allele origin: germline. Affected: yes.
Comment: Not observed at significant frequency in large population cohorts (gnomAD); In silico analysis supports that this missense variant has a deleterious effect on protein structure/function; Has not been previously published as pathogenic or benign to our knowledge